The following is an entry in ClinVar:

ClinVar aggregate classification (germline): Uncertain significance (1 of 4 stars; one submission).

Submission:

Labcorp Genetics (formerly Invitae), Labcorp
Classification: Uncertain significance. Last evaluated: 2023-07-14. Review status: criteria provided, single submitter. Criteria: Invitae Variant Classification Sherloc (09022015). Collection method: clinical testing. Allele origin: germline.
Comment: An algorithm developed to predict the effect of missense changes on protein structure and function (PolyPhen-2) suggests that this variant is likely to be tolerated. In summary, the available evidence is currently insufficient to determine the role of this variant in disease. Therefore, it has been classified as a Variant of Uncertain Significance. This variant has not been reported in the literature in individuals affected with ERBIN-related conditions. This variant is not present in population databases (gnomAD no frequency). This sequence change replaces threonine, which is neutral and polar, with proline, which is neutral and non-polar, at codon 1239 of the ERBIN protein (p.Thr1239Pro).

NM_001253697.2(ERBIN):c.3715A>C (p.Thr1239Pro)

Gene: ERBIN (erbb2 interacting protein; plus strand). Cytogenetic location: 5q12.3.
Variant type: single nucleotide variant.
Coding change: c.3715A>C on transcript NM_001253697.2 (MANE Select); coding-DNA position 3715, A replaced by C.
Protein change: p.Thr1239Pro; replaces threonine 1239 with proline.
Molecular consequence: missense variant. On other transcripts: intron variant (5).
Genome position (GRCh38, 1-based): chr5:66,072,250, A>C. VCF-style: chr5-66072250-A-C. GRCh37 (hg19) VCF-style: chr5-65368078-A-C.
Other names: c.3778-2774A>C (NM_001253699.2); c.3634-2774A>C (NM_018695.4, NM_001253698.2); c.3634-4066A>C (NM_001006600.3); c.3622-2774A>C (NM_001253701.2); short protein forms T1239P.
Identifiers: ClinVar variation 2865465 (VCV002865465.3), dbSNP rs1410592734, ClinGen allele CA359870783.